The following is an entry in ClinVar:

ClinVar aggregate classification (germline): Pathogenic (1 of 4 stars; one submission).

Conditions:
Spastic paraplegia. Identifiers: MedGen C0037772, HP:0001258.

Allele frequency attached by ClinVar (database versions not stated): TOPMed below 0.00001; ExAC 0.00001; gnomAD 0.00001; gnomAD exomes 0.00001; 1000 Genomes Project 30x 0.00016.

Submission:

Labcorp Genetics (formerly Invitae), Labcorp
Classification: Pathogenic for Spastic paraplegia. Last evaluated: 2023-08-28. Review status: criteria provided, single submitter. Criteria: Invitae Variant Classification Sherloc (09022015). Collection method: clinical testing. Allele origin: germline.
Comment: For these reasons, this variant has been classified as Pathogenic. ClinVar contains an entry for this variant (Variation ID: 1073452). This variant has not been reported in the literature in individuals affected with ZFYVE26-related conditions. This variant is present in population databases (rs765748845, gnomAD 0.007%). This sequence change creates a premature translational stop signal (p.Leu932Argfs*18) in the ZFYVE26 gene. It is expected to result in an absent or disrupted protein product. Loss-of-function variants in ZFYVE26 are known to be pathogenic (PMID: 18394578, 19805727).

Literature cited by the submitters: PubMed 18394578; PubMed 19805727.

NM_015346.4(ZFYVE26):c.2795del (p.Leu932fs)

Gene: ZFYVE26 (zinc finger FYVE-type containing 26; minus strand). Cytogenetic location: 14q24.1.
Variant type: Deletion.
Coding change: c.2795del on transcript NM_015346.4 (MANE Select); coding-DNA position 2795, one base deleted (T; older notation c.2795delT).
Protein change: p.Leu932fs; shifts the reading frame from leucine 932.
Molecular consequence: frameshift variant.
Genome position (GRCh38, 1-based): chr14:67,789,559, A deleted on the plus strand (T on the coding strand, the reverse complement: ZFYVE26 is on the minus strand). VCF-style (leftmost placement, unchanged base first): chr14-67789558-CA-C. GRCh37 (hg19) VCF-style: chr14-68256275-CA-C.
Other names: short protein forms L932fs.
Identifiers: ClinVar variation 1073452 (VCV001073452.8), dbSNP rs765748845, ClinGen allele CA7240168.